The following is an entry in ClinVar:

ClinVar aggregate classification (germline): Benign/Likely benign. Review status: criteria provided, multiple submitters, no conflicts (2 of 4 stars). 7 submissions from 7 submitters: Benign (3); Likely benign (1). 3 of the submissions do not count toward it. Last evaluated 2026-01-31.

Allele frequency attached by ClinVar (database versions not stated): 1000 Genomes Project 30x 0.00094; 1000 Genomes Project 0.00100; TOPMed 0.00249; gnomAD 0.00267 and 0.00292; ESP Exome Variant Server 0.00338; gnomAD exomes 0.00346 and 0.00425; ExAC 0.00409.
gnomAD v4.1: 6,565 of 1,613,958 alleles (0.41%); highest among the groups gnomAD compares: Non-Finnish European, 0.48%; 26 homozygotes.

Submissions (7):

Labcorp Genetics (formerly Invitae), Labcorp
Classification: Benign. Last evaluated: 2026-01-31. Review status: criteria provided, single submitter. Criteria: Invitae Variant Classification Sherloc (09022015). Collection method: clinical testing. Allele origin: germline.

Mayo Clinic Laboratories, Mayo Clinic
Classification: Benign. Last evaluated: 2023-06-27. Review status: criteria provided, single submitter. Criteria: ACMG Guidelines, 2015. Collection method: clinical testing. Allele origin: germline. Observed: 5 variant alleles.
Comment: BS1, BS2, BP4, BP7

CeGaT Center for Human Genetics Tuebingen
Classification: Likely benign. Last evaluated: 2023-02-01. Review status: criteria provided, single submitter. Criteria: CeGaT Center For Human Genetics Tuebingen Variant Classification Criteria Version 2. Collection method: clinical testing. Allele origin: germline. Affected: yes. Observed: 1 variant allele.
Comment: SLC6A19: BP4, BP7, BS2

Breakthrough Genomics
Classification: Benign. Review status: criteria provided, single submitter. Criteria: ACMG Guidelines, 2015. Collection method: not provided. Allele origin: germline. Inheritance: Autosomal recessive inheritance. Affected: yes.

Clinical Genetics DNA and cytogenetics Diagnostics Lab, Erasmus MC, Erasmus Medical Center
Classification: Likely benign. Review status: no assertion criteria provided. Collection method: clinical testing. Allele origin: germline. Affected: yes. Study: VKGL Data-share Consensus. Not counted in ClinVar's aggregate classification.

Clinical Genetics, Academic Medical Center
Classification: Likely benign. Review status: no assertion criteria provided. Collection method: clinical testing. Allele origin: germline. Affected: yes. Study: VKGL Data-share Consensus. Not counted in ClinVar's aggregate classification.

Diagnostic Laboratory, Department of Genetics, University Medical Center Groningen
Classification: Likely benign. Review status: no assertion criteria provided. Collection method: clinical testing. Allele origin: germline. Affected: yes. Study: VKGL Data-share Consensus. Not counted in ClinVar's aggregate classification.

NM_001003841.3(SLC6A19):c.984C>T (p.Arg328=)

Gene: SLC6A19 (solute carrier family 6 member 19; plus strand). Cytogenetic location: 5p15.33.
Variant type: single nucleotide variant.
Coding change: c.984C>T on transcript NM_001003841.3 (MANE Select); coding-DNA position 984, C replaced by T.
Protein change: p.Arg328=; no amino-acid change (arginine 328 retained).
Molecular consequence: synonymous variant.
Genome position (GRCh38, 1-based): chr5:1,216,654, C>T. VCF-style: chr5-1216654-C-T. GRCh37 (hg19) VCF-style: chr5-1216769-C-T.
Other names: p.Arg328=.
Identifiers: ClinVar variation 708817 (VCV000708817.40), dbSNP rs140296083, ClinGen allele CA3182974.